The following is an entry in ClinVar:

NC_000023.10:g.(?_107920710)_(107930944_?)del

Gene: COL4A5 (collagen type IV alpha 5 chain; plus strand). Cytogenetic location: Xq22.3.
Variant type: Deletion.
Identifiers: ClinVar variation 2423175 (VCV002423175.3).

ClinVar aggregate classification (germline): Pathogenic (1 of 4 stars; one submission).

Submission:

Labcorp Genetics (formerly Invitae), Labcorp
Classification: Pathogenic. Last evaluated: 2023-10-03. Review status: criteria provided, single submitter. Criteria: Invitae Variant Classification Sherloc (09022015). Collection method: clinical testing. Allele origin: germline.
Comment: This variant is a gross deletion of the genomic region encompassing exon(s) 42-47 of the COL4A5 gene. This variant would be expected to be in-frame, preserving the integrity of the reading frame. A similar copy number variant has been observed in individual(s) with Alport syndrome (PMID: 20378821). This variant disrupts the triple helix domain of COL4A5. Glycine residues within the Gly-Xaa-Yaa repeats of the triple helix domain are required for the structure and stability of fibrillar collagens (PMID: 7695699, 8218237, 19344236). In COL4A5, missense variants at these glycine residues are significantly enriched in individuals with disease (PMID: 23720012, 27627812) compared to the general population (ExAC). For these reasons, this variant has been classified as Pathogenic.

Literature cited by the submitters: PubMed 20378821; PubMed 7695699; PubMed 8218237; PubMed 19344236; PubMed 23720012; PubMed 27627812.